The following is an entry in ClinVar:

ClinVar aggregate classification (germline): Uncertain significance (1 of 4 stars; one submission).

Conditions:
TTN-related disorder. Also called: TTN-related condition; TTN-related disease; TTN-related disorders.

Allele frequency attached by ClinVar (database versions not stated): gnomAD exomes below 0.00001; gnomAD 0.00001.
gnomAD v4.1: 6 of 1,423,948 alleles (0.00042%); highest among the groups gnomAD compares: East Asian, 0.0053%; no homozygotes.

Submission:

PreventionGenetics, part of Exact Sciences
Classification: Uncertain significance for TTN-related condition. Last evaluated: 2023-10-05. Review status: criteria provided, single submitter. Criteria: ACMG Guidelines, 2015. Collection method: clinical testing. Allele origin: germline.
Comment: The TTN c.39974-12A>G variant is predicted to interfere with splicing. To our knowledge, this variant has not been reported in the literature or in a large population database, indicating this variant is rare. However, the use of computer prediction programs is not equivalent to functional evidence, and therefore the clinical significance of this variant is uncertain.

NM_001267550.2(TTN):c.39974-12A>G

Gene: TTN (titin; minus strand). Cytogenetic location: 2q31.2.
Variant type: single nucleotide variant.
Coding change: c.39974-12A>G on transcript NM_001267550.2 (MANE Select); 12 bases into the intron before coding-DNA position 39974, A replaced by G.
Molecular consequence: intron variant.
Genome position (GRCh38, 1-based): chr2:178,649,343, T>C on the plus strand (A>G on the coding strand, the complement: TTN is on the minus strand). VCF-style: chr2-178649343-T-C. GRCh37 (hg19) VCF-style: chr2-179514070-T-C.
Other names: c.13283-7026A>G (NM_003319.4); c.13859-7026A>G (NM_133437.4); c.13658-7026A>G (NM_133432.3); c.32593+474A>G (NM_133378.4); c.35374+474A>G (NM_001256850.1).
Identifiers: ClinVar variation 2628500 (VCV002628500.1), dbSNP rs2062545695, ClinGen allele CA1039717269.